The following is an entry in ClinVar:

ClinVar aggregate classification (germline): Pathogenic (1 of 4 stars; one submission).

Conditions:
Duchenne muscular dystrophy (DMD). Also called: MUSCULAR DYSTROPHY, PSEUDOHYPERTROPHIC PROGRESSIVE, DUCHENNE TYPE; Duchenne Muscular Dystrophy (DMD). Identifiers: Orphanet 98896, MedGen C0013264, MONDO:0010679, OMIM 310200.

Submission:

Labcorp Genetics (formerly Invitae), Labcorp
Classification: Pathogenic for Duchenne muscular dystrophy. Last evaluated: 2015-11-26. Review status: criteria provided, single submitter. Criteria: Invitae Variant Classification Sherloc (09022015). Collection method: clinical testing. Allele origin: germline.
Comment: For these reasons, this variant has been classified as Pathogenic. This variant is a gross deletion of the genomic region encompassing exons 53_76 of the DMD gene. This is a predicted in frame deletion that is expected to delete amino acids 2554 to 3640 of the DMD protein.

NC_000023.10:g.(?_31164402)_(31697709_?)del

Gene: DMD (dystrophin; minus strand). Cytogenetic location: Xp21.2-21.1.
Variant type: Deletion.
Identifiers: ClinVar variation 1070271 (VCV001070271.8).